The following is an entry in ClinVar:

NM_015915.5(ATL1):c.1612T>A (p.Tyr538Asn)

Gene: ATL1 (atlastin GTPase 1; plus strand). Cytogenetic location: 14q22.1.
Variant type: single nucleotide variant.
Coding change: c.1612T>A on transcript NM_015915.5 (MANE Select); coding-DNA position 1612, T replaced by A.
Protein change: p.Tyr538Asn; replaces tyrosine 538 with asparagine.
Molecular consequence: missense variant.
Genome position (GRCh38, 1-based): chr14:50,632,274, T>A. VCF-style: chr14-50632274-T-A. GRCh37 (hg19) VCF-style: chr14-51098992-T-A.
Other names: c.1597T>A, p.Tyr533Asn (NM_001127713.1, NM_181598.4); short protein forms Y533N, Y538N.
Identifiers: ClinVar variation 1776429 (VCV001776429.5), dbSNP rs200185276, ClinGen allele CA7180559.
Genomic context (GRCh38, chr14:50,632,274, plus strand): 5'-ATGCTTTTATTCTAGGCTTTGTACAAGCTTTACAGTGCAGCAGCAACCCACAGACATCTG[T>A]ATCATCAAGCTTTCCCTACACCAAAGTCGGAATCTACTGAACAATCAGAAAAGAAAAAAA-3'
Protein context (NP_056999.2, residues 528-548): YSAAATHRHL[Tyr538Asn]HQAFPTPKSE

ClinVar aggregate classification (germline): Uncertain significance. Review status: criteria provided, multiple submitters, no conflicts (2 of 4 stars). 2 submissions from 2 submitters: Uncertain significance (2). Last evaluated 2023-08-30.

Conditions:
Inborn genetic diseases. Identifiers: MedGen C0950123, MeSH D030342.
Hereditary spastic paraplegia 3A (SPG3A). Also called: Spastic paraplegia 3A, autosomal dominant; SPASTIC PARAPLEGIA 3, AUTOSOMAL DOMINANT; FAMILIAL SPASTIC PARAPLEGIA, AUTOSOMAL DOMINANT, 1; SPG3; STRUMPELL DISEASE; Spastic Paraplegia 3A. Identifiers: Orphanet 100984, MedGen C2931355, MONDO:0008437, OMIM 182600.

Allele frequency attached by ClinVar (database versions not stated): gnomAD exomes 0.00001; ExAC 0.00002; gnomAD 0.00002; TOPMed 0.00005; 1000 Genomes Project 30x 0.00031; 1000 Genomes Project 0.00040.
gnomAD v4.1: 17 of 1,612,420 alleles (0.0011%); highest among the groups gnomAD compares: East Asian, 0.036%; no homozygotes.

Submissions (2):

Labcorp Genetics (formerly Invitae), Labcorp
Classification: Uncertain significance for Hereditary spastic paraplegia 3A. Last evaluated: 2023-08-30. Review status: criteria provided, single submitter. Criteria: Invitae Variant Classification Sherloc (09022015). Collection method: clinical testing. Allele origin: germline.
Comment: This variant is present in population databases (rs200185276, gnomAD 0.04%). In summary, the available evidence is currently insufficient to determine the role of this variant in disease. Therefore, it has been classified as a Variant of Uncertain Significance. Advanced modeling of protein sequence and biophysical properties (such as structural, functional, and spatial information, amino acid conservation, physicochemical variation, residue mobility, and thermodynamic stability) performed at Invitae indicates that this missense variant is not expected to disrupt ATL1 protein function. ClinVar contains an entry for this variant (Variation ID: 1776429). This variant has not been reported in the literature in individuals affected with ATL1-related conditions. This sequence change replaces tyrosine, which is neutral and polar, with asparagine, which is neutral and polar, at codon 538 of the ATL1 protein (p.Tyr538Asn).

Ambry Genetics
Classification: Uncertain significance for Inborn genetic diseases. Last evaluated: 2020-12-23. Review status: criteria provided, single submitter. Criteria: Ambry Variant Classification Scheme 2023. Collection method: clinical testing. Allele origin: germline.
Comment: The p.Y538N variant (also known as c.1612T>A), located in coding exon 14 of the ATL1 gene, results from a T to A substitution at nucleotide position 1612. The tyrosine at codon 538 is replaced by asparagine, an amino acid with dissimilar properties. This amino acid position is highly conserved in available vertebrate species. In addition, the in silico prediction for this alteration is inconclusive. Based on the supporting evidence, this variant is unlikely to be causative of autosomal dominant spastic paraplegia 3A (SPG3A) or hereditary sensory neuropathy type ID (HSN1D); however, its contribution to the development of autosomal recessive spastic paraplegia 3A is uncertain.